The following is an entry in ClinVar:

ClinVar aggregate classification (germline): Uncertain significance (1 of 4 stars; one submission).

Conditions:
Familial thoracic aortic aneurysm and aortic dissection (TAAD). Also called: Thoracic aortic aneurysms and dissections. Identifiers: Orphanet 91387, MedGen C4707243, MONDO:0019625.

Submission:

Color Diagnostics, LLC DBA Color Health
Classification: Uncertain significance for Familial thoracic aortic aneurysm and aortic dissection. Last evaluated: 2025-05-20. Review status: criteria provided, single submitter. Criteria: ACMG Guidelines, 2015. Collection method: clinical testing. Allele origin: germline.
Comment: This missense variant replaces proline with alanine at codon 1634 of the FBN1 protein. Computational prediction suggests that this variant may have deleterious impact on protein structure and function. To our knowledge, functional studies have not been reported for this variant. This variant has not been reported in individuals affected with FBN1-related disorders in the literature. This variant has not been identified in the general population by the Genome Aggregation Database (gnomAD). The available evidence is insufficient to determine the role of this variant in disease conclusively. Therefore, this variant is classified as a Variant of Uncertain Significance.

NM_000138.5(FBN1):c.4900C>G (p.Pro1634Ala)

Gene: FBN1 (fibrillin 1; minus strand). Cytogenetic location: 15q21.1.
Variant type: single nucleotide variant.
Coding change: c.4900C>G on transcript NM_000138.5 (MANE Select); coding-DNA position 4900, C replaced by G.
Protein change: p.Pro1634Ala; replaces proline 1634 with alanine.
Molecular consequence: missense variant.
Genome position (GRCh38, 1-based): chr15:48,465,610, G>C on the plus strand (C>G on the coding strand, the complement: FBN1 is on the minus strand). VCF-style: chr15-48465610-G-C. GRCh37 (hg19) VCF-style: chr15-48757807-G-C.
Other names: c.4900C>G, p.Pro1634Ala (NM_001406716.1); short protein forms P1634A.
Identifiers: ClinVar variation 4756671 (VCV004756671.1).